The following is an entry in ClinVar:

NM_133459.4(CCBE1):c.916-2A>T

Gene: CCBE1 (collagen and calcium binding EGF domains 1; minus strand). Cytogenetic location: 18q21.32.
Variant type: single nucleotide variant.
Coding change: c.916-2A>T on transcript NM_133459.4 (MANE Select); the canonical splice acceptor site of the intron before coding-DNA position 916, A replaced by T.
Molecular consequence: splice acceptor variant.
Genome position (GRCh38, 1-based): chr18:59,439,580, T>A on the plus strand (A>T on the coding strand, the complement: CCBE1 is on the minus strand). VCF-style: chr18-59439580-T-A. GRCh37 (hg19) VCF-style: chr18-57106812-T-A.
Identifiers: ClinVar variation 2000978 (VCV002000978.4), dbSNP rs367990953, ClinGen allele CA402595069.

ClinVar aggregate classification (germline): Likely pathogenic (1 of 4 stars; one submission).

Submission:

Labcorp Genetics (formerly Invitae), Labcorp
Classification: Likely pathogenic. Last evaluated: 2022-06-27. Review status: criteria provided, single submitter. Criteria: Invitae Variant Classification Sherloc (09022015). Collection method: clinical testing. Allele origin: germline.
Comment: This variant has not been reported in the literature in individuals affected with CCBE1-related conditions. This variant is not present in population databases (gnomAD no frequency). This sequence change affects an acceptor splice site in intron 8 of the CCBE1 gene. It is expected to disrupt RNA splicing. Variants that disrupt the donor or acceptor splice site typically lead to a loss of protein function (PMID: 16199547), and loss-of-function variants in CCBE1 are known to be pathogenic (PMID: 19935664, 21778431, 26686525). In summary, the currently available evidence indicates that the variant is pathogenic, but additional data are needed to prove that conclusively. Therefore, this variant has been classified as Likely Pathogenic. Algorithms developed to predict the effect of sequence changes on RNA splicing suggest that this variant may disrupt the consensus splice site.

Literature cited by the submitters: PubMed 16199547; PubMed 19935664; PubMed 21778431; PubMed 26686525.